The following is an entry in ClinVar:

ClinVar aggregate classification (germline): Uncertain significance. Review status: criteria provided, multiple submitters, no conflicts (2 of 4 stars). 3 submissions from 2 submitters: Uncertain significance (3). Last evaluated 2023-09-04.

Conditions:
Atypical hemolytic-uremic syndrome with B factor anomaly. Also called: HEMOLYTIC UREMIC SYNDROME, ATYPICAL, SUSCEPTIBILITY TO, 4; AHUS, SUSCEPTIBILITY TO, 4. Identifiers: Orphanet 2134, MedGen C2752038, MONDO:0013042, OMIM 612924.
Macular degeneration. Also called: Degenerative disorder of macula. Identifiers: MedGen C0024437, MONDO:0003004, HP:0000608.

Allele frequency attached by ClinVar (database versions not stated): gnomAD 0.00001; gnomAD exomes 0.00001; TOPMed 0.00001.
gnomAD v4.1: 21 of 1,612,878 alleles (0.0013%); highest among the groups gnomAD compares: Non-Finnish European, 0.0016%; no homozygotes.

Submissions (3):

Labcorp Genetics (formerly Invitae), Labcorp
Classification: Uncertain significance. Last evaluated: 2023-09-04. Review status: criteria provided, single submitter. Criteria: Invitae Variant Classification Sherloc (09022015). Collection method: clinical testing. Allele origin: germline.
Comment: In summary, the available evidence is currently insufficient to determine the role of this variant in disease. Therefore, it has been classified as a Variant of Uncertain Significance. Advanced modeling of protein sequence and biophysical properties (such as structural, functional, and spatial information, amino acid conservation, physicochemical variation, residue mobility, and thermodynamic stability) performed at Invitae indicates that this missense variant is not expected to disrupt CFB protein function. ClinVar contains an entry for this variant (Variation ID: 906231). This variant has not been reported in the literature in individuals affected with CFB-related conditions. This variant is not present in population databases (gnomAD no frequency). This sequence change replaces tyrosine, which is neutral and polar, with histidine, which is basic and polar, at codon 588 of the CFB protein (p.Tyr588His).

Illumina Laboratory Services, Illumina
Classification: Uncertain significance for Macular degeneration. Last evaluated: 2018-01-13. Review status: criteria provided, single submitter. Criteria: ICSL Variant Classification Criteria 13 December 2019. Collection method: clinical testing. Allele origin: germline.

Illumina Laboratory Services, Illumina
Classification: Uncertain significance for Atypical hemolytic-uremic syndrome with B factor anomaly. Last evaluated: 2018-01-13. Review status: criteria provided, single submitter. Criteria: ICSL Variant Classification Criteria 13 December 2019. Collection method: clinical testing. Allele origin: germline.

NM_001710.6(CFB):c.1762T>C (p.Tyr588His)

Gene: CFB (complement factor B; plus strand). Cytogenetic location: 6p21.33.
Variant type: single nucleotide variant.
Coding change: c.1762T>C on transcript NM_001710.6 (MANE Select); coding-DNA position 1762, T replaced by C.
Protein change: p.Tyr588His; replaces tyrosine 588 with histidine.
Molecular consequence: missense variant.
Genome position (GRCh38, 1-based): chr6:31,950,756, T>C. VCF-style: chr6-31950756-T-C. GRCh37 (hg19) VCF-style: chr6-31918533-T-C.
Other names: short protein forms Y588H.
Identifiers: ClinVar variation 906231 (VCV000906231.9), dbSNP rs1364257553, ClinGen allele CA363409329.